The following is an entry in ClinVar:

NM_000141.5(FGFR2):c.2420C>T (p.Pro807Leu)

Gene: FGFR2 (fibroblast growth factor receptor 2; minus strand). Cytogenetic location: 10q26.13.
Variant type: single nucleotide variant.
Coding change: c.2420C>T on transcript NM_000141.5 (MANE Select); coding-DNA position 2420, C replaced by T.
Protein change: p.Pro807Leu; replaces proline 807 with leucine.
Molecular consequence: missense variant. On other transcripts: 3 prime UTR variant (1), non-coding transcript variant (1), intron variant (1).
Genome position (GRCh38, 1-based): chr10:121,479,903, G>A on the plus strand (C>T on the coding strand, the complement: FGFR2 is on the minus strand). VCF-style: chr10-121479903-G-A. GRCh37 (hg19) VCF-style: chr10-123239417-G-A.
Other names: c.2084C>T, p.Pro695Leu (NM_001144914.1); c.2075C>T, p.Pro692Leu (NM_001144916.2, NM_001441090.1); c.2072C>T, p.Pro691Leu (NM_001144917.2); c.2069C>T, p.Pro690Leu (NM_001144918.2); c.1736C>T, p.Pro579Leu (NM_001320654.2); c.2414C>T, p.Pro805Leu (NM_001320658.2); c.2417C>T, p.Pro806Leu (NM_001441087.1); c.2150C>T, p.Pro717Leu (NM_001441088.1); and 5 more; short protein forms P579L, P690L, P691L, P692L, P695L, P716L, P717L, P718L.
Identifiers: ClinVar variation 4528272 (VCV004528272.1).

ClinVar aggregate classification (germline): Uncertain significance (1 of 4 stars; one submission).

gnomAD v4.1: 1 of 1,614,144 alleles (0.000062%); highest among the groups gnomAD compares: Admixed American, 0.0017%; no homozygotes.

Submission:

GeneDx
Classification: Uncertain significance. Last evaluated: 2025-04-28. Review status: criteria provided, single submitter. Criteria: GeneDx Variant Classification Process June 2021. Collection method: clinical testing. Allele origin: germline. Affected: yes.
Comment: In silico analysis supports that this missense variant has a deleterious effect on protein structure/function; Has not been previously published as pathogenic or benign to our knowledge